The following is an entry in ClinVar:

NM_001267550.2(TTN):c.98225G>A (p.Gly32742Asp)

Genes: TTN-AS1 (TTN antisense RNA 1; plus strand), TTN (titin; minus strand). Cytogenetic location: 2q31.2.
Variant type: single nucleotide variant.
Coding change: c.98225G>A on transcript NM_001267550.2 (MANE Select); coding-DNA position 98225, G replaced by A.
Protein change: p.Gly32742Asp; replaces glycine 32742 with aspartic acid.
Molecular consequence: missense variant. On other transcripts: non-coding transcript variant (1).
Genome position (GRCh38, 1-based): chr2:178,539,840, C>T on the plus strand (G>A on the coding strand, the complement: TTN is on the minus strand). VCF-style: chr2-178539840-C-T. GRCh37 (hg19) VCF-style: chr2-179404567-C-T.
Other names: c.93302G>A, p.Gly31101Asp (NM_001256850.1); c.71030G>A, p.Gly23677Asp (NM_003319.4); c.90521G>A, p.Gly30174Asp (NM_133378.4); c.71405G>A, p.Gly23802Asp (NM_133432.3); c.71606G>A, p.Gly23869Asp (NM_133437.4); short protein forms G32742D, G30174D, G23677D, G23802D, G31101D, G23869D.
Identifiers: ClinVar variation 467703 (VCV000467703.9), dbSNP rs201850303, ClinGen allele CA1986409.
Genomic context (GRCh38, chr2:178,539,840, plus strand): 5'-ATCACAAGCTCAGTGTGTGTTTCAGATGTTGCAATCATGGCACGCTTACTAATATCCTGG[C>T]CTTCCTTGGTCCATTTACATATTGGGAATGGTTTTCCTTTGATTGGTATGGTAAGTCTGA-3'
Protein context (NP_001254479.2, residues 32732-32752): PFPICKWTKE[Gly32742Asp]QDISKRAMIA

ClinVar aggregate classification (germline): Uncertain significance. Review status: criteria provided, multiple submitters, no conflicts (2 of 4 stars). 4 submissions from 4 submitters: Uncertain significance (4). Last evaluated 2025-11-21.

Conditions:
Autosomal recessive limb-girdle muscular dystrophy type 2J (LGMDR10). Also called: Limb-girdle muscular dystrophy, type 2J; MUSCULAR DYSTROPHY, LIMB-GIRDLE, AUTOSOMAL RECESSIVE 10. Identifiers: Orphanet 140922, MedGen C1837342, MONDO:0012127, OMIM 608807.
Dilated cardiomyopathy 1G (CMD1G). Identifiers: Orphanet 154, MedGen C1858763, MONDO:0011400, OMIM 604145.
TTN-related disorder. Also called: TTN-related condition; TTN-related disease; TTN-related disorders.

Allele frequency attached by ClinVar (database versions not stated): gnomAD exomes 0.00003; ExAC 0.00004; gnomAD 0.00007; TOPMed 0.00011; 1000 Genomes Project 30x 0.00016; ESP Exome Variant Server 0.00016; 1000 Genomes Project 0.00020.
gnomAD v4.1: 30 of 1,613,830 alleles (0.0019%); highest among the groups gnomAD compares: African/African-American, 0.039%; no homozygotes.

Submissions (4):

PreventionGenetics, part of Exact Sciences
Classification: Uncertain significance for TTN-related condition. Last evaluated: 2025-11-21. Review status: criteria provided, single submitter. Criteria: ACMG Guidelines, 2015. Collection method: clinical testing. Allele origin: germline.
Comment: The TTN c.98225G>A variant is predicted to result in the amino acid substitution p.Gly32742Asp. To our knowledge, this variant has not been reported in the literature. This variant is reported in 0.050% of alleles in individuals of African descent in gnomAD. Although we suspect that this variant may be benign, at this time, the clinical significance of this variant is uncertain due to the absence of conclusive functional and genetic evidence.

Women's Health and Genetics/Laboratory Corporation of America, LabCorp
Classification: Uncertain significance. Last evaluated: 2024-06-24. Review status: criteria provided, single submitter. Criteria: LabCorp Variant Classification Summary - May 2015. Collection method: clinical testing. Allele origin: germline.
Comment: Variant summary: TTN c.90521G>A (p.Gly30174Asp) results in a non-conservative amino acid change located in the A-band region of the encoded protein sequence. Three of four in-silico tools predict a damaging effect of the variant on protein function. The variant allele was found at a frequency of 3.2e-05 in 248898 control chromosomes. The available data on variant occurrences in the general population are insufficient to allow any conclusion about variant significance. To our knowledge, no occurrence of c.90521G>A in individuals affected with Limb-Girdle Muscular Dystrophy, Type 2J and no experimental evidence demonstrating its impact on protein function have been reported. ClinVar contains an entry for this variant (Variation ID: 467703). Based on the evidence outlined above, the variant was classified as uncertain significance.

Labcorp Genetics (formerly Invitae), Labcorp
Classification: Uncertain significance for Dilated cardiomyopathy 1G; Autosomal recessive limb-girdle muscular dystrophy type 2J. Last evaluated: 2017-12-27. Review status: criteria provided, single submitter. Criteria: Invitae Variant Classification Sherloc (09022015). Collection method: clinical testing. Allele origin: germline.

Eurofins Ntd Llc (ga)
Classification: Uncertain significance. Last evaluated: 2017-06-14. Review status: criteria provided, single submitter. Criteria: EGL Classification Definitions 2015. Collection method: clinical testing. Allele origin: germline. Observed: 1 variant allele, 1 heterozygote.